The following is an entry in ClinVar:

NM_000043.6(FAS):c.718A>G (p.Met240Val)

Gene: FAS (Fas cell surface death receptor; plus strand). Cytogenetic location: 10q23.31.
Variant type: single nucleotide variant.
Coding change: c.718A>G on transcript NM_000043.6 (MANE Select); coding-DNA position 718, A replaced by G.
Protein change: p.Met240Val; replaces methionine 240 with valine.
Molecular consequence: missense variant. On other transcripts: 3 prime UTR variant (2), non-coding transcript variant (7).
Genome position (GRCh38, 1-based): chr10:89,014,160, A>G. VCF-style: chr10-89014160-A-G. GRCh37 (hg19) VCF-style: chr10-90773917-A-G.
Other names: c.*41A>G (NM_001320619.2); c.655A>G, p.Met219Val (NM_152871.4); c.*30A>G (NM_152872.4); short protein forms M219V, M240V.
Identifiers: ClinVar variation 1304408 (VCV001304408.2), dbSNP rs2119445351, ClinGen allele CA377509637.

ClinVar aggregate classification (germline): Uncertain significance (1 of 4 stars; one submission).

Submission:

GeneDx
Classification: Uncertain significance. Last evaluated: 2020-02-17. Review status: criteria provided, single submitter. Criteria: GeneDx Variant Classification Process June 2021. Collection method: clinical testing. Allele origin: germline. Affected: yes.
Comment: Not observed in large population cohorts (Lek et al., 2016); In silico analysis supports that this missense variant has a deleterious effect on protein structure/function; Has not been previously published as pathogenic or benign to our knowledge